The following is an entry in ClinVar:

ClinVar aggregate classification (germline): Uncertain significance (1 of 4 stars; one submission).

Conditions:
Immunodeficiency 39 (IMD39). Identifiers: Orphanet 574918, MedGen C4225358, MONDO:0014597, OMIM 616345.

Allele frequency attached by ClinVar (database versions not stated): gnomAD exomes below 0.00001.

Submission:

Labcorp Genetics (formerly Invitae), Labcorp
Classification: Uncertain significance for Immunodeficiency 39. Last evaluated: 2025-05-05. Review status: criteria provided, single submitter. Criteria: Invitae Variant Classification Sherloc (09022015). Collection method: clinical testing. Allele origin: germline.
Comment: This sequence change affects codon 196 of the IRF7 mRNA. It is a 'silent' change, meaning that it does not change the encoded amino acid sequence of the IRF7 protein. This variant is not present in population databases (gnomAD no frequency). This variant has not been reported in the literature in individuals affected with IRF7-related conditions. ClinVar contains an entry for this variant (Variation ID: 1999081). Algorithms developed to predict the effect of sequence changes on RNA splicing suggest that this variant may create or strengthen a splice site. In summary, the available evidence is currently insufficient to determine the role of this variant in disease. Therefore, it has been classified as a Variant of Uncertain Significance.

NM_001572.5(IRF7):c.549G>C (p.Leu183=)

Gene: IRF7 (interferon regulatory factor 7; minus strand). Cytogenetic location: 11p15.5.
Variant type: single nucleotide variant.
Coding change: c.549G>C on transcript NM_001572.5 (MANE Select); coding-DNA position 549, G replaced by C.
Protein change: p.Leu183=; no amino-acid change (leucine 183 retained).
Molecular consequence: synonymous variant.
Genome position (GRCh38, 1-based): chr11:614,304, C>G on the plus strand (G>C on the coding strand, the complement: IRF7 is on the minus strand). VCF-style: chr11-614304-C-G. GRCh37 (hg19) VCF-style: chr11-614304-C-G.
Other names: c.549G>C, p.Leu183= (NM_004029.4); c.588G>C, p.Leu196= (NM_004031.4).
Identifiers: ClinVar variation 1999081 (VCV001999081.4), dbSNP rs2493926581, ClinGen allele CA472434930.
Genomic context (GRCh38, chr11:614,304, plus strand): 5'-TGCCCCCCATGACGCTGTCAGCAGATGGTCTGCCAGGCAGCTCTGTTGCACTGCCTGGAG[C>G]AGGAGGTCCCCCTTGTCACCAGCTGGGGCAGGGAGGGGGCCTGGGGCTTGGAGTCCAGCA-3'
Protein context (NP_001563.2, residues 173-193): PAPAGDKGDL[Leu183=]LQAVQQSCLA